The following is an entry in ClinVar:

NM_001190274.2(FBXO11):c.149AGC[8] (p.Gln56dup)

Genes: FBXO11 (F-box protein 11; minus strand), LOC100506235 (uncharacterized LOC100506235; plus strand). Cytogenetic location: 2p16.3.
Variant type: Microsatellite.
Coding change: c.149AGC[8] on transcript NM_001190274.2 (MANE Select); eight copies in a row of the 3-base unit AGC starting at c.149; the reference has seven copies in a row; one copy, 3 bases duplicated.
Protein change: p.Gln56dup; duplicates glutamine 56.
Molecular consequence: inframe insertion.
Genome position (GRCh38, 1-based): chr2:47,905,552-47,905,554, GCT duplicated on the plus strand (AGC on the coding strand, the reverse complement: FBXO11 is on the minus strand); duplicating any 3 consecutive bases within chr2:47,905,552-47,905,574 gives the same sequence; the position shown is the placement nearest the transcript's 3' end. VCF-style (leftmost placement, unchanged base first): chr2-47905551-G-GGCT. GRCh37 (hg19) VCF-style: chr2-48132690-G-GGCT.
Other names: c.167_169dupAGC (NM_001190274.1).
Identifiers: ClinVar variation 975697 (VCV000975697.44), dbSNP rs746953076, ClinGen allele CA1650238.

ClinVar aggregate classification (germline): Conflicting classifications of pathogenicity. Review status: criteria provided, conflicting classifications (1 of 4 stars). 9 submissions from 9 submitters: Uncertain significance (2); Benign (3); Likely benign (1). 3 of the submissions do not count toward it. Last evaluated 2026-09-01.

Conditions:
FBXO11-related disorder. Also called: FBXO11-related condition.
Inborn genetic diseases. Identifiers: MedGen C0950123, MeSH D030342.
Intellectual disability. Also called: Intellectual developmental disorder; Intellectual functioning disability; intellectual disabilities. Identifiers: MedGen C3714756, MeSH D008607, MONDO:0001071, HP:0001249.

Submissions (9):

CeGaT Center for Human Genetics Tuebingen
Classification: Benign. Last evaluated: 2026-09-01. Review status: criteria provided, single submitter. Criteria: CeGaT Center For Human Genetics Tuebingen Variant Classification Criteria Version 2. Collection method: clinical testing. Allele origin: germline. Affected: yes. Observed: 52 variant alleles.
Comment: FBXO11: BS1, BS2

Labcorp Genetics (formerly Invitae), Labcorp
Classification: Benign. Last evaluated: 2026-02-02. Review status: criteria provided, single submitter. Criteria: Invitae Variant Classification Sherloc (09022015). Collection method: clinical testing. Allele origin: germline.

Ambry Genetics
Classification: Benign for Inborn genetic diseases. Last evaluated: 2025-03-14. Review status: criteria provided, single submitter. Criteria: Ambry Variant Classification Scheme 2023. Collection method: clinical testing. Allele origin: germline.

Blueprint Genetics
Classification: Likely benign. Last evaluated: 2024-11-25. Review status: criteria provided, single submitter. Criteria: ACMG Guidelines, 2015. Collection method: clinical testing. Allele origin: germline.

PreventionGenetics, part of Exact Sciences
Classification: Uncertain significance for FBXO11-related condition. Last evaluated: 2023-08-02. Review status: criteria provided, single submitter. Criteria: ACMG Guidelines, 2015. Collection method: clinical testing. Allele origin: germline.
Comment: The FBXO11 c.167_169dupAGC variant is predicted to result in an in-frame duplication (p.Gln56dup). To our knowledge, this variant has not been reported in the literature. This variant is reported in 1.4% of alleles in individuals of Ashkenazi Jewish descent in gnomAD, however this variant is found within a low complexity region of the genome and frequency data should be interpreted with caution. At this time, the clinical significance of this variant is uncertain due to the absence of conclusive functional and genetic evidence.

Institute for Clinical Genetics, University Hospital TU Dresden, University Hospital TU Dresden
Classification: Uncertain significance. Last evaluated: 2021-11-03. Review status: criteria provided, single submitter. Criteria: ACMG Guidelines, 2015. Collection method: clinical testing. Allele origin: germline.

Centre de Biologie Pathologie Génétique, Centre Hospitalier Universitaire de Lille
Classification: Likely benign for Intellectual disability. Last evaluated: 2019-01-01. Review status: no assertion criteria provided. Collection method: clinical testing. Allele origin: inherited. Affected: yes. Not counted in ClinVar's aggregate classification.

Diagnostic Laboratory, Department of Genetics, University Medical Center Groningen
Classification: Likely benign. Review status: no assertion criteria provided. Collection method: clinical testing. Allele origin: germline. Affected: yes. Study: VKGL Data-share Consensus. Not counted in ClinVar's aggregate classification.

Laboratory of Diagnostic Genome Analysis, Leiden University Medical Center (LUMC)
Classification: Likely benign. Review status: no assertion criteria provided. Collection method: clinical testing. Allele origin: germline. Affected: yes. Study: VKGL Data-share Consensus. Not counted in ClinVar's aggregate classification.